The following is an entry in ClinVar:

ClinVar aggregate classification (germline): Likely pathogenic (1 of 4 stars; one submission).

Conditions:
Argininosuccinate lyase deficiency. Also called: Argininosuccinic aciduria; ARGININOSUCCINIC ACID LYASE DEFICIENCY; ASL DEFICIENCY. Identifiers: Orphanet 23, MedGen C0268547, MONDO:0008815, OMIM 207900, HP:0025630.

Submission:

Myriad Genetics, Inc.
Classification: Likely pathogenic for Argininosuccinate lyase deficiency. Last evaluated: 2019-05-29. Review status: criteria provided, single submitter. Criteria: Myriad Women's Health Autosomal Recessive and X-Linked Classification Criteria (2019). Collection method: clinical testing. Allele origin: unknown.
Comment: NM_001024943.1(ASL):c.721G>T(E241*) is expected to be pathogenic in the context of argininosuccinic aciduria. This variant is predicted to lead to an abnormal or absent protein product due to the creation of a premature termination codon in ASL, a gene where loss-of-function variants are known to be pathogenic. Please note: this variant was assessed in the context of healthy population screening.

NM_000048.4(ASL):c.721G>T (p.Glu241Ter)

Gene: ASL (argininosuccinate lyase; plus strand). Cytogenetic location: 7q11.21.
Variant type: single nucleotide variant.
Coding change: c.721G>T on transcript NM_000048.4 (MANE Select); coding-DNA position 721, G replaced by T.
Protein change: p.Glu241Ter; replaces glutamic acid 241 with a stop codon.
Molecular consequence: nonsense.
Genome position (GRCh38, 1-based): chr7:66,088,809, G>T. VCF-style: chr7-66088809-G-T. GRCh37 (hg19) VCF-style: chr7-65553796-G-T.
Other names: c.721G>T, p.Glu241Ter (NM_001024943.2, NM_001024944.2); c.643G>T, p.Glu215Ter (NM_001024946.2); short protein forms E215*, E241*.
Identifiers: ClinVar variation 984304 (VCV000984304.3), dbSNP rs1786746301, ClinGen allele CA367645092.